The following is an entry in ClinVar:

NM_000548.5(TSC2):c.2524C>T (p.Pro842Ser)

Gene: TSC2 (TSC complex subunit 2; plus strand). Cytogenetic location: 16p13.3.
Variant type: single nucleotide variant.
Coding change: c.2524C>T on transcript NM_000548.5 (MANE Select); coding-DNA position 2524, C replaced by T.
Protein change: p.Pro842Ser; replaces proline 842 with serine.
Molecular consequence: missense variant. On other transcripts: non-coding transcript variant (5).
Genome position (GRCh38, 1-based): chr16:2,074,368, C>T. VCF-style: chr16-2074368-C-T. GRCh37 (hg19) VCF-style: chr16-2124369-C-T.
Other names: c.2377C>T, p.Pro793Ser (NM_001406675.1, NM_001406676.1, NM_001406679.1 and 1 more transcripts); c.2467C>T, p.Pro823Ser (NM_001406677.1); c.2413C>T, p.Pro805Ser (NM_001406678.1, NM_001318827.2, NM_001406670.1); c.1924C>T, p.Pro642Ser (NM_001406680.1, NM_001406682.1, NM_001406683.1 and 6 more transcripts); c.2062C>T, p.Pro688Ser (NM_001406681.1); c.2524C>T, p.Pro842Ser (NM_001077183.3, NM_001114382.3, NM_001363528.2 and 6 more transcripts); c.2557C>T, p.Pro853Ser (NM_001318832.2); c.2614C>T, p.Pro872Ser (NM_001406667.1, NM_001406668.1); and 3 more; short protein forms P793S, P838S, P688S, P842S, P308S, P394S, P642S, P823S.
Identifiers: ClinVar variation 2896860 (VCV002896860.5), dbSNP rs1271366576, ClinGen allele CA394277937.

ClinVar aggregate classification (germline): Uncertain significance. Review status: criteria provided, multiple submitters, no conflicts (2 of 4 stars). 3 submissions from 3 submitters: Uncertain significance (3). Last evaluated 2025-09-05.

Conditions:
Tuberous sclerosis 2 (TSC2). Identifiers: Orphanet 805, MedGen C1860707, MONDO:0013199, OMIM 613254.
Isolated focal cortical dysplasia type II (FCORD2). Also called: Focal cortical dysplasia type II; CORTICAL DYSPLASIA OF TAYLOR. Identifiers: Orphanet 268994, MedGen C1846385, MONDO:0011818, OMIM 607341, HP:0032051.
Lymphangiomyomatosis (LAM). Also called: Lymphangioleiomyomatosis; Lymphangioleiomyomatosis, somatic. Identifiers: Orphanet 538, MedGen C0751674, MONDO:0011705, OMIM 606690.

Submissions (3):

Labcorp Genetics (formerly Invitae), Labcorp
Classification: Uncertain significance for Tuberous sclerosis 2. Last evaluated: 2025-09-05. Review status: criteria provided, single submitter. Criteria: Invitae Variant Classification Sherloc (09022015). Collection method: clinical testing. Allele origin: germline.
Comment: This sequence change replaces proline, which is neutral and non-polar, with serine, which is neutral and polar, at codon 842 of the TSC2 protein (p.Pro842Ser). This variant is not present in population databases (gnomAD no frequency). This variant has not been reported in the literature in individuals affected with TSC2-related conditions. ClinVar contains an entry for this variant (Variation ID: 2896860). Invitae Evidence Modeling of protein sequence and biophysical properties (such as structural, functional, and spatial information, amino acid conservation, physicochemical variation, residue mobility, and thermodynamic stability) has been performed for this missense variant. However, the output from this modeling did not meet the statistical confidence thresholds required to predict the impact of this variant on TSC2 protein function. In summary, the available evidence is currently insufficient to determine the role of this variant in disease. Therefore, it has been classified as a Variant of Uncertain Significance.

GeneDx
Classification: Uncertain significance. Last evaluated: 2025-07-23. Review status: criteria provided, single submitter. Criteria: GeneDx Variant Classification Process June 2021. Collection method: clinical testing. Allele origin: germline. Affected: yes.
Comment: Not observed at significant frequency in large population cohorts (gnomAD); In silico analysis supports that this missense variant has a deleterious effect on protein structure/function; Has not been previously published as pathogenic or benign to our knowledge

Fulgent Genetics
Classification: Uncertain significance for Lymphangiomyomatosis; Isolated focal cortical dysplasia type II; Tuberous sclerosis 2. Last evaluated: 2024-05-14. Review status: criteria provided, single submitter. Criteria: ACMG Guidelines, 2015. Collection method: clinical testing. Allele origin: germline.